The following is an entry in ClinVar:

ClinVar aggregate classification (germline): Uncertain significance (1 of 4 stars; one submission).

Submission:

Labcorp Genetics (formerly Invitae), Labcorp
Classification: Uncertain significance. Last evaluated: 2024-07-11. Review status: criteria provided, single submitter. Criteria: Invitae Variant Classification Sherloc (09022015). Collection method: clinical testing. Allele origin: germline.
Comment: This sequence change replaces leucine, which is neutral and non-polar, with isoleucine, which is neutral and non-polar, at codon 605 of the CYFIP2 protein (p.Leu605Ile). This variant is not present in population databases (gnomAD no frequency). This variant has not been reported in the literature in individuals affected with CYFIP2-related conditions. Experimental studies and prediction algorithms are not available or were not evaluated, and the functional significance of this variant is currently unknown. In summary, the available evidence is currently insufficient to determine the role of this variant in disease. Therefore, it has been classified as a Variant of Uncertain Significance.

NM_001037333.3(CYFIP2):c.1813C>A (p.Leu605Ile)

Gene: CYFIP2 (cytoplasmic FMR1 interacting protein 2; plus strand). Cytogenetic location: 5q33.3.
Variant type: single nucleotide variant.
Coding change: c.1813C>A on transcript NM_001037333.3 (MANE Select); coding-DNA position 1813, C replaced by A.
Protein change: p.Leu605Ile; replaces leucine 605 with isoleucine.
Molecular consequence: missense variant.
Genome position (GRCh38, 1-based): chr5:157,324,062, C>A. VCF-style: chr5-157324062-C-A. GRCh37 (hg19) VCF-style: chr5-156751070-C-A.
Other names: c.1735C>A, p.Leu579Ile (NM_001291721.2); c.1888C>A, p.Leu630Ile (NM_001291722.2); c.1813C>A, p.Leu605Ile (NM_014376.4); short protein forms L630I, L579I, L605I.
Identifiers: ClinVar variation 3691951 (VCV003691951.2).